The following is an entry in ClinVar:

NM_000256.3(MYBPC3):c.3728C>T (p.Pro1243Leu)

Gene: MYBPC3 (myosin binding protein C3; minus strand). Cytogenetic location: 11p11.2.
Variant type: single nucleotide variant.
Coding change: c.3728C>T on transcript NM_000256.3 (MANE Select); coding-DNA position 3728, C replaced by T.
Protein change: p.Pro1243Leu; replaces proline 1243 with leucine.
Molecular consequence: missense variant.
Genome position (GRCh38, 1-based): chr11:47,332,158, G>A on the plus strand (C>T on the coding strand, the complement: MYBPC3 is on the minus strand). VCF-style: chr11-47332158-G-A. GRCh37 (hg19) VCF-style: chr11-47353709-G-A.
Other names: short protein forms P1243L.
Identifiers: ClinVar variation 3718568 (VCV003718568.2).
Genomic context (GRCh38, chr11:47,332,158, plus strand): 5'-CGTGCCTCGCCCTGTAAGTTGGTGGCCCTGCAGACATAGATGCCCCCGTCAAAGGGGCAG[G>A]GCTTTCTAATCTCCAGAGTCAACACTCCCTGCTTGCTGAACATGCGGAAGCGGGCGTCTT-3'
Protein context (NP_000247.2, residues 1233-1253): QGVLTLEIRK[Pro1243Leu]CPFDGGIYVC

ClinVar aggregate classification (germline): Uncertain significance (1 of 4 stars; one submission).

Conditions:
Hypertrophic cardiomyopathy. Also called: HYPERTROPHIC MYOCARDIOPATHY. Identifiers: Orphanet 217569, MedGen C0007194, MeSH D002312, MONDO:0005045, HP:0001639.

Submission:

Labcorp Genetics (formerly Invitae), Labcorp
Classification: Uncertain significance for Hypertrophic cardiomyopathy. Last evaluated: 2024-01-22. Review status: criteria provided, single submitter. Criteria: Invitae Variant Classification Sherloc (09022015). Collection method: clinical testing. Allele origin: germline.
Comment: This sequence change replaces proline, which is neutral and non-polar, with leucine, which is neutral and non-polar, at codon 1243 of the MYBPC3 protein (p.Pro1243Leu). This variant is not present in population databases (gnomAD no frequency). This variant has not been reported in the literature in individuals affected with MYBPC3-related conditions. An algorithm developed to predict the effect of missense changes on protein structure and function (PolyPhen-2) suggests that this variant is likely to be disruptive. In summary, the available evidence is currently insufficient to determine the role of this variant in disease. Therefore, it has been classified as a Variant of Uncertain Significance.